The following is an entry in ClinVar:

NM_001134407.3(GRIN2A):c.1702del (p.Val568fs)

Gene: GRIN2A (glutamate ionotropic receptor NMDA type subunit 2A; minus strand). Cytogenetic location: 16p13.2.
Variant type: Deletion.
Coding change: c.1702del on transcript NM_001134407.3 (MANE Select); coding-DNA position 1702, one base deleted (G; older notation c.1702delG).
Protein change: p.Val568fs; shifts the reading frame from valine 568.
Molecular consequence: frameshift variant.
Genome position (GRCh38, 1-based): chr16:9,834,180, C deleted on the plus strand (G on the coding strand, the reverse complement: GRIN2A is on the minus strand). VCF-style (leftmost placement, unchanged base first): chr16-9834179-AC-A. GRCh37 (hg19) VCF-style: chr16-9928036-AC-A.
Other names: c.1702del, p.Val568fs (NM_000833.5, NM_001134408.2); short protein forms V568fs.
Identifiers: ClinVar variation 1407756 (VCV001407756.6), dbSNP rs2141325493, ClinGen allele CA2573152055.

ClinVar aggregate classification (germline): Pathogenic (1 of 4 stars; one submission).

Conditions:
Landau-Kleffner syndrome (FESD). Also called: APHASIA, ACQUIRED, WITH EPILEPSY; EPILEPSY, FOCAL, WITH SPEECH DISORDER AND WITH OR WITHOUT MENTAL RETARDATION. Identifiers: Orphanet 1945, Orphanet 725, Orphanet 98818, MedGen C0282512, MONDO:0009509, OMIM 245570.

Submission:

Labcorp Genetics (formerly Invitae), Labcorp
Classification: Pathogenic for Landau-Kleffner syndrome. Last evaluated: 2025-06-02. Review status: criteria provided, single submitter. Criteria: Invitae Variant Classification Sherloc (09022015). Collection method: clinical testing. Allele origin: germline.
Comment: This sequence change creates a premature translational stop signal (p.Val568Phefs*4) in the GRIN2A gene. It is expected to result in an absent or disrupted protein product. Loss-of-function variants in GRIN2A are known to be pathogenic (PMID: 23933819, 23933820). This variant is not present in population databases (gnomAD no frequency). This variant has not been reported in the literature in individuals affected with GRIN2A-related conditions. ClinVar contains an entry for this variant (Variation ID: 1407756). For these reasons, this variant has been classified as Pathogenic.

Literature cited by the submitters: PubMed 23933819; PubMed 23933820.